The following is an entry in ClinVar:

ClinVar aggregate classification (germline): Uncertain significance (1 of 4 stars; one submission).

Conditions:
Ehlers-Danlos syndrome, type 4 (EDSVASC). Also called: Ehlers-Danlos syndrome vascular type; Ehlers Danlos syndrome, ecchymotic type; Ehlers Danlos syndrome, arterial type; Ehlers Danlos syndrome, Sack-Barabas type; Ehlers-Danlos Syndrome Type IV. Identifiers: Orphanet 286, MedGen C0268338, MONDO:0017314, OMIM 130050.

Submission:

All of Us Research Program, National Institutes of Health
Classification: Uncertain significance for Ehlers-Danlos syndrome, type 4. Last evaluated: 2024-03-24. Review status: criteria provided, single submitter. Criteria: ACMG Guidelines, 2015. Collection method: clinical testing. Allele origin: germline. Inheritance: Autosomal dominant inheritance. Observed: 1 variant allele, 1 heterozygote.
Comment: This missense variant replaces methionine with isoleucine at codon 535 of the COL3A1 protein. Computational prediction suggests that this variant may not impact protein structure and function (internally defined REVEL score threshold <= 0.5, PMID: 27666373). To our knowledge, functional studies have not been reported for this variant. This variant has not been reported in individuals affected with COL3A1-related disorders in the literature. This variant has not been identified in the general population by the Genome Aggregation Database (gnomAD). The available evidence is insufficient to determine the role of this variant in disease conclusively. Therefore, this variant is classified as a Variant of Uncertain Significance.

This study involves interpretation of variants in research participants for the purpose of population health screening. Participant phenotype was not available at the time of variant classification. Additional details can be found in publication PMID: 35346344, PMCID: PMC8962531

NM_000090.4(COL3A1):c.1605G>T (p.Met535Ile)

Gene: COL3A1 (collagen type III alpha 1 chain; plus strand). Cytogenetic location: 2q32.2.
Variant type: single nucleotide variant.
Coding change: c.1605G>T on transcript NM_000090.4 (MANE Select); coding-DNA position 1605, G replaced by T.
Protein change: p.Met535Ile; replaces methionine 535 with isoleucine.
Molecular consequence: missense variant.
Genome position (GRCh38, 1-based): chr2:188,995,787, G>T. VCF-style: chr2-188995787-G-T. GRCh37 (hg19) VCF-style: chr2-189860513-G-T.
Other names: short protein forms M535I.
Identifiers: ClinVar variation 3386451 (VCV003386451.1).
Genomic context (GRCh38, chr2:188,995,787, plus strand): 5'-AGGGCCCAGAGGAGCTGCTGGAGAACCTGGCAGAGATGGCGTCCCTGGAGGTCCAGGAAT[G>T]AGGGTACAGAGAAACATTTGTTTGAATGACACTTTAATTTAGACAGAAGAAAGGCAAGAC-3'
Protein context (NP_000081.2, residues 525-545): GRDGVPGGPG[Met535Ile]RGMPGSPGGP